The following is an entry in ClinVar:

ClinVar aggregate classification (germline): Likely pathogenic (1 of 4 stars; one submission).

Conditions:
Familial thoracic aortic aneurysm and aortic dissection (TAAD). Also called: Thoracic aortic aneurysms and dissections. Identifiers: Orphanet 91387, MedGen C4707243, MONDO:0019625.

Submission:

Ambry Genetics
Classification: Likely pathogenic for Familial thoracic aortic aneurysm and aortic dissection. Last evaluated: 2019-02-27. Review status: criteria provided, single submitter. Criteria: Ambry Variant Classification Scheme 2023. Collection method: clinical testing. Allele origin: germline.
Comment: The p.C2274S variant (also known as c.6821G>C), located in coding exon 55 of the FBN1 gene, results from a G to C substitution at nucleotide position 6821. The cysteine at codon 2274 is replaced by serine, an amino acid with dissimilar properties. This alteration has been reported in a cohort of subjects with thoracic aortic aneurysm and dissection (TAAD) (Kathiravel U et al. Mol. Cell. Probes, 2013 Apr;27:103-8). Based on internal structural assessment, this alteration eliminates a structurally critical disulfide in the structurally sensitive cbEGF domain #35. The majority of FBN1 mutations identified to date have involved the substitution or generation of cysteine residues within cbEGF domains (Vollbrandt T et al. J Biol Chem. 2004;279(31):32924-32931). This amino acid position is highly conserved in available vertebrate species. In addition, this alteration is predicted to be deleterious by in silico analysis. Based on the majority of available evidence to date, this variant is likely to be pathogenic.

Literature cited by the submitters: PubMed 23142374.

NM_000138.5(FBN1):c.6821G>C (p.Cys2274Ser)

Gene: FBN1 (fibrillin 1; minus strand). Cytogenetic location: 15q21.1.
Variant type: single nucleotide variant.
Coding change: c.6821G>C on transcript NM_000138.5 (MANE Select); coding-DNA position 6821, G replaced by C.
Protein change: p.Cys2274Ser; replaces cysteine 2274 with serine.
Molecular consequence: missense variant.
Genome position (GRCh38, 1-based): chr15:48,430,721, C>G on the plus strand (G>C on the coding strand, the complement: FBN1 is on the minus strand). VCF-style: chr15-48430721-C-G. GRCh37 (hg19) VCF-style: chr15-48722918-C-G.
Other names: c.6821G>C, p.Cys2274Ser (NM_001406716.1); short protein forms C2274S.
Identifiers: ClinVar variation 1755641 (VCV001755641.2), dbSNP rs2505419990, ClinGen allele CA392332236.